The following is an entry in ClinVar:

NM_005228.5(EGFR):c.2571G>T (p.Gly857=)

Gene: EGFR (epidermal growth factor receptor; plus strand). Cytogenetic location: 7p11.2.
Variant type: single nucleotide variant.
Coding change: c.2571G>T on transcript NM_005228.5 (MANE Select); coding-DNA position 2571, G replaced by T.
Protein change: p.Gly857=; no amino-acid change (glycine 857 retained).
Molecular consequence: synonymous variant.
Genome position (GRCh38, 1-based): chr7:55,191,820, G>T. VCF-style: chr7-55191820-G-T. GRCh37 (hg19) VCF-style: chr7-55259513-G-T.
Other names: c.2571G>T (NM_005228.3); c.2436G>T, p.Gly812= (NM_001346897.2, NM_001346899.2); c.2571G>T, p.Gly857= (NM_001346898.2); c.2412G>T, p.Gly804= (NM_001346900.2); c.1770G>T, p.Gly590= (NM_001346941.2).
Identifiers: ClinVar variation 1541826 (VCV001541826.10), dbSNP rs2128964615, ClinGen allele CA454965647.

ClinVar aggregate classification (germline): Benign/Likely benign. Review status: criteria provided, multiple submitters, no conflicts (2 of 4 stars). 3 submissions from 3 submitters: Benign (1); Likely benign (2). Last evaluated 2025-03-15.

Conditions:
Lung cancer. Also called: Lung cancer, somatic; Malignant tumor of lung. Identifiers: MedGen C0242379, MONDO:0008903, OMIM 211980.
EGFR-related lung cancer (EGFR). Identifiers: MedGen CN130014.
Hereditary cancer-predisposing syndrome. Also called: Hereditary Cancer Syndrome; Tumor predisposition; Neoplastic Syndromes, Hereditary; Hereditary neoplastic syndrome. Identifiers: Orphanet 140162, MedGen C0027672, MeSH D009386, MONDO:0015356.

Submissions (3):

Ambry Genetics
Classification: Likely benign for Hereditary cancer-predisposing syndrome. Last evaluated: 2025-03-15. Review status: criteria provided, single submitter. Criteria: Ambry Variant Classification Scheme 2023. Collection method: clinical testing. Allele origin: germline.

Myriad Genetics, Inc.
Classification: Benign for Lung cancer. Last evaluated: 2024-10-17. Review status: criteria provided, single submitter. Criteria: Myriad Autosomal Dominant, Autosomal Recessive and X-Linked Classification Criteria (2023). Collection method: clinical testing. Allele origin: unknown.
Comment: This variant is considered benign. This variant is a silent/synonymous amino acid change and it is not expected to impact splicing.

Labcorp Genetics (formerly Invitae), Labcorp
Classification: Likely benign for EGFR-related lung cancer. Last evaluated: 2024-04-23. Review status: criteria provided, single submitter. Criteria: Invitae Variant Classification Sherloc (09022015). Collection method: clinical testing. Allele origin: germline.